The following is an entry in ClinVar:

NM_181523.3(PIK3R1):c.1300-1G>C

Gene: PIK3R1 (phosphoinositide-3-kinase regulatory subunit 1; plus strand). Cytogenetic location: 5q13.1.
Variant type: single nucleotide variant.
Coding change: c.1300-1G>C on transcript NM_181523.3 (MANE Select); the canonical splice acceptor site of the intron before coding-DNA position 1300, G replaced by C.
Molecular consequence: splice acceptor variant.
Genome position (GRCh38, 1-based): chr5:68,293,708, G>C. VCF-style: chr5-68293708-G-C. GRCh37 (hg19) VCF-style: chr5-67589536-G-C.
Other names: IVS10AS, G-C, -1; c.400-1G>C (NM_181524.2); c.490-1G>C (NM_181504.4); c.211-1G>C (NM_001242466.2).
Identifiers: ClinVar variation 446500 (VCV000446500.3), dbSNP rs1554051033, ClinGen allele CA359880035.
Genomic context (GRCh38, chr5:68,293,708, plus strand): 5'-TGTTAAACAATTGTTATTTGATTAAATACCTTATCCATTGAATTTATTTTAATCTTTCTA[G>C]GATCAAGTTGTCAAAGAAGATAATATTGAAGCTGTAGGGAAAAAATTACATGAATATAAC-3'

ClinVar aggregate classification (germline): Likely pathogenic. Review status: reviewed by expert panel (3 of 4 stars). 2 submissions from 2 submitters: Likely pathogenic (1). 1 of the submissions does not count toward it. Last evaluated 2026-05-19.

Conditions:
PIK3R1-related immunodeficiency and SHORT syndrome. Identifiers: MedGen CN379774, MONDO:1060136.
Immunodeficiency 36 with lymphoproliferation. Also called: ACTIVATED PI3K-DELTA SYNDROME 2; Immunodeficiency 36; Activated PI3K Delta Syndrome Type 2 (APDS2). Identifiers: Orphanet 397596, Orphanet 693681, MedGen C4014934, MONDO:0014453, OMIM 616005.

Submissions (2):

ClinGen Primary Immune Regulatory Disorders Variant Curation Expert Panel, ClinGen
Classification: Likely pathogenic for PIK3R1-related immunodeficiency and SHORT syndrome. Last evaluated: 2026-05-19. Review status: reviewed by expert panel. Criteria: ClinGen AbDef ACMG Specifications PIK3R1 V1.0.0. Collection method: curation. Allele origin: germline. Inheritance: Autosomal dominant inheritance.
Comment: NM_181523.3(PIK3R1):c.1300-1G>C disrupts a canonical splice site in intron 10 that is predicted to cause in-frame skipping of exon 11, with RT-PCR of RNA extracted from affected patient cells confirming exon skipping, indicating that the variant disrupts protein function (PMID: 27221134, PVS1_Strong). Another splicing variant predicted to skip exon 11, NM_181523.3(PIK3R1):c.1300-2A>G, is located within the same splice donor site disrupted by the present variant and has been classified as likely pathogenic for PIK3R1 immunodeficiency with SHORT syndrome by the ClinGen Antibody Deficiencies VCEP. PS1_Moderate is met since the comparison variant has not reached a pathogenic classification. This variant is absent from gnomAD v4.1.0 (PM2_Supporting). This variant has been reported in at least 1 proband with a phenotype that includes a diagnosis of activated PI3K-delta syndrome, diffuse large B-cell lymphoma (2 pts), chronic lymphoproliferation (adenopathy 4 pts), recurrent upper respiratory infections (4 pts), decreased IgA and IgG (0.5 pts) and elevated IgM (0.5 pts), and reduced proportion of switched memory B cells (1 pt), with genotyping method not reported in sufficient detail to exclude alternative causes in other loci (12 total points, PMID: 27221134, PS4_Supporting). The variant was identified as a de novo occurrence in this proband with unconfirmed parental relationships, with the phenotype considered to be consistent with PIK3R1-related immunodeficiency and SHORT syndrome (PS2_Supporting; PMID: 27221134). In summary, this variant meets the criteria to be classified as likely pathogenic for autosomal dominant PIK3R1-related immunodeficiency and SHORT syndrome based on the ACMG/AMP criteria applied, as specified by the ClinGen Antibody Deficiencies VCEP: PVS1_Strong, PM2_Supporting, PS4_Supporting, and PS2_Supporting. (VCEP specifications version 1.0.0; date of approval 04/29/2026).

OMIM
Classification: Pathogenic for IMMUNODEFICIENCY 36 WITH LYMPHOPROLIFERATION. Last evaluated: 2023-03-15. Review status: no assertion criteria provided. Collection method: literature only. Allele origin: germline. Not counted in ClinVar's aggregate classification.

Literature cited by the submitters: PubMed 27221134 (cited by OMIM).